The following is an entry in ClinVar:

NM_001252024.2(TRPM1):c.2653A>C (p.Ile885Leu)

Genes: TRPM1 (transient receptor potential cation channel subfamily M member 1; minus strand), TRPM1-AS1 (TRPM1 antisense RNA 1; plus strand). Cytogenetic location: 15q13.3.
Variant type: single nucleotide variant.
Coding change: c.2653A>C on transcript NM_001252024.2 (MANE Select); coding-DNA position 2653, A replaced by C.
Protein change: p.Ile885Leu; replaces isoleucine 885 with leucine.
Molecular consequence: missense variant.
Genome position (GRCh38, 1-based): chr15:31,035,593, T>G on the plus strand (A>C on the coding strand, the complement: TRPM1 is on the minus strand). VCF-style: chr15-31035593-T-G. GRCh37 (hg19) VCF-style: chr15-31327796-T-G.
Other names: c.2704A>C, p.Ile902Leu (NM_001252020.2); c.2587A>C, p.Ile863Leu (NM_002420.6); short protein forms I885L, I863L, I902L.
Identifiers: ClinVar variation 887325 (VCV000887325.10), dbSNP rs201650867, ClinGen allele CA7452115.
Genomic context (GRCh38, chr15:31,035,593, plus strand): 5'-TTGGAGTAGCCACCTCTCGTATCTTCTCTAACGCCAGGCTCACGATGTAGGAGATGACGA[T>G]CCACTCCTGGAGGGACGGCCAGCCATCCATCCGCACCAGGATGACGTAGTTAAACAGCAG-3'
Protein context (NP_001238953.1, residues 875-895): MDGWPSLQEW[Ile885Leu]VISYIVSLAL

ClinVar aggregate classification (germline): Uncertain significance. Review status: criteria provided, multiple submitters, no conflicts (2 of 4 stars). 3 submissions from 3 submitters: Uncertain significance (3). Last evaluated 2023-12-20.

Conditions:
Congenital stationary night blindness 1C. Also called: Night blindness, congenital stationary (complete), 1C, autosomal recessive. Identifiers: Orphanet 215, MedGen C2750747, MONDO:0013183, OMIM 613216.

Allele frequency attached by ClinVar (database versions not stated): TOPMed 0.00006.
gnomAD v4.1: 264 of 1,614,070 alleles (0.016%); highest among the groups gnomAD compares: Non-Finnish European, 0.022%; no homozygotes.

Submissions (3):

Blueprint Genetics
Classification: Uncertain significance. Last evaluated: 2023-12-20. Review status: criteria provided, single submitter. Criteria: ACMG Guidelines, 2015. Collection method: clinical testing. Allele origin: germline.

Labcorp Genetics (formerly Invitae), Labcorp
Classification: Uncertain significance. Last evaluated: 2022-09-01. Review status: criteria provided, single submitter. Criteria: Invitae Variant Classification Sherloc (09022015). Collection method: clinical testing. Allele origin: germline.
Comment: This sequence change replaces isoleucine, which is neutral and non-polar, with leucine, which is neutral and non-polar, at codon 863 of the TRPM1 protein (p.Ile863Leu). This variant is present in population databases (rs201650867, gnomAD 0.007%). This variant has not been reported in the literature in individuals affected with TRPM1-related conditions. ClinVar contains an entry for this variant (Variation ID: 887325). Algorithms developed to predict the effect of missense changes on protein structure and function (SIFT, PolyPhen-2, Align-GVGD) all suggest that this variant is likely to be tolerated. In summary, the available evidence is currently insufficient to determine the role of this variant in disease. Therefore, it has been classified as a Variant of Uncertain Significance.

Illumina Laboratory Services, Illumina
Classification: Uncertain significance for Congenital stationary night blindness 1C. Last evaluated: 2018-01-12. Review status: criteria provided, single submitter. Criteria: ICSL Variant Classification Criteria 13 December 2019. Collection method: clinical testing. Allele origin: germline.